The following is an entry in ClinVar:

NM_001723.7(DST):c.6721G>T (p.Gly2241Cys)

Gene: DST (dystonin; minus strand). Cytogenetic location: 6p12.1.
Variant type: single nucleotide variant.
Coding change: c.6721G>T on transcript NM_001723.7 (MANE Plus Clinical); coding-DNA position 6721, G replaced by T.
Protein change: p.Gly2241Cys; replaces glycine 2241 with cysteine.
Molecular consequence: missense variant. On other transcripts: intron variant (10).
Genome position (GRCh38, 1-based): chr6:56,616,746, C>A on the plus strand (G>T on the coding strand, the complement: DST is on the minus strand). VCF-style: chr6-56616746-C-A. GRCh37 (hg19) VCF-style: chr6-56481544-C-A.
Other names: c.4831-2262G>T (NM_001144769.5); c.4930-2262G>T (NM_001374722.1, NM_001374736.1); c.4957-2262G>T (NM_001374734.1); c.4417-2262G>T (NM_001144770.2); c.4297-2262G>T (NM_001374730.1, NM_001386100.1, NM_183380.4 and 1 more transcripts); c.3319-2262G>T (NM_015548.5); short protein forms G2241C.
Identifiers: ClinVar variation 651524 (VCV000651524.9), dbSNP rs1335126164, ClinGen allele CA364564531.

ClinVar aggregate classification (germline): Uncertain significance (1 of 4 stars; one submission).

Conditions:
Hereditary sensory and autonomic neuropathy type 6. Also called: Neuropathy, hereditary sensory and autonomic, type VI; HSAN VI. Identifiers: Orphanet 314381, MedGen C3539003, MONDO:0013839, OMIM 614653.
Epidermolysis bullosa simplex 3, localized or generalized intermediate, with BP230 deficiency (EBS3). Also called: Epidermolysis bullosa simplex due to BP230 deficiency; Epidermolysis bullosa simplex, autosomal recessive 2. Identifiers: Orphanet 412181, MedGen C3809470, MONDO:0014180, OMIM 615425.

Allele frequency attached by ClinVar (database versions not stated): TOPMed below 0.00001; gnomAD 0.00001.
gnomAD v4.1: 4 of 1,614,044 alleles (0.00025%); highest among the groups gnomAD compares: Non-Finnish European, 0.00025%; no homozygotes.

Submission:

Labcorp Genetics (formerly Invitae), Labcorp
Classification: Uncertain significance for Epidermolysis bullosa simplex 3, localized or generalized intermediate, with BP230 deficiency; Hereditary sensory and autonomic neuropathy type 6. Last evaluated: 2022-05-28. Review status: criteria provided, single submitter. Criteria: Invitae Variant Classification Sherloc (09022015). Collection method: clinical testing. Allele origin: germline.
Comment: This variant is not present in population databases (gnomAD no frequency). This variant has not been reported in the literature in individuals affected with DST-related conditions. ClinVar contains an entry for this variant (Variation ID: 651524). Algorithms developed to predict the effect of missense changes on protein structure and function are either unavailable or do not agree on the potential impact of this missense change (SIFT: "Deleterious"; PolyPhen-2: "Probably Damaging"; Align-GVGD: "Class C15"). In summary, the available evidence is currently insufficient to determine the role of this variant in disease. Therefore, it has been classified as a Variant of Uncertain Significance. This sequence change replaces glycine, which is neutral and non-polar, with cysteine, which is neutral and slightly polar, at codon 2241 of the DST protein (p.Gly2241Cys).